The following is an entry in ClinVar:

NM_025114.4(CEP290):c.5519_5520del (p.Lys1840fs)

Gene: CEP290 (centrosomal protein 290; minus strand). Cytogenetic location: 12q21.32.
Variant type: Deletion.
Coding change: c.5519_5520del on transcript NM_025114.4 (MANE Select); coding-DNA positions 5519 to 5520, 2 bases deleted (AA; older notation c.5519_5520delAA).
Protein change: p.Lys1840fs; shifts the reading frame from lysine 1840.
Molecular consequence: frameshift variant.
Genome position (GRCh38, 1-based): chr12:88,077,763-88,077,764, TT deleted on the plus strand (AA on the coding strand, the reverse complement: CEP290 is on the minus strand); deleting any 2 consecutive bases within chr12:88,077,763-88,077,765 gives the same sequence; the c. name uses the placement nearest the transcript's 3' end. VCF-style (leftmost placement, unchanged base first): chr12-88077762-CTT-C. GRCh37 (hg19) VCF-style: chr12-88471539-CTT-C.
Other names: short protein forms K1840fs.
Identifiers: ClinVar variation 4816225 (VCV004816225.1).

ClinVar aggregate classification (germline): Likely pathogenic (1 of 4 stars; one submission).

Conditions:
Leber congenital amaurosis (LCA). Also called: Leber's amaurosis. Identifiers: Orphanet 65, MedGen C0339527, MeSH D057130, MONDO:0018998.

Submission:

Natera, Inc.
Classification: Likely pathogenic for Leber congenital amaurosis. Last evaluated: 2024-12-17. Review status: criteria provided, single submitter. Criteria: Natera Variant Classification Schema (03/2026). Collection method: clinical testing. Allele origin: germline.
Comment: The c.5519_5520del variant in CEP290 is a frameshift variant predicted to shift the reading frame beginning at codon 1840 and leads to a stop codon 4 codons downstream. This variant is expected to result in nonsense mediated decay, truncation, or a dysfunctional protein product. This variant is rare in the general population with a frequency below the threshold expected for the associated phenotype(s). Given the available evidence, this variant is classified as Likely Pathogenic.